The following is an entry in ClinVar:

NM_006206.6(PDGFRA):c.236G>T (p.Gly79Val)

Gene: PDGFRA (platelet derived growth factor receptor alpha; plus strand). Cytogenetic location: 4q12.
Variant type: single nucleotide variant.
Coding change: c.236G>T on transcript NM_006206.6 (MANE Select); coding-DNA position 236, G replaced by T.
Protein change: p.Gly79Val; replaces glycine 79 with valine.
Molecular consequence: missense variant.
Genome position (GRCh38, 1-based): chr4:54,261,281, G>T. VCF-style: chr4-54261281-G-T. GRCh37 (hg19) VCF-style: chr4-55127448-G-T.
Other names: c.236G>T, p.Gly79Val (NM_001347827.2, NM_001347829.2); c.311G>T, p.Gly104Val (NM_001347828.2); c.275G>T, p.Gly92Val (NM_001347830.2); short protein forms G104V, G79V, G92V.
Identifiers: ClinVar variation 2130486 (VCV002130486.5), dbSNP rs36035373, ClinGen allele CA356888599.

ClinVar aggregate classification (germline): Uncertain significance. Review status: criteria provided, multiple submitters, no conflicts (2 of 4 stars). 2 submissions from 2 submitters: Uncertain significance (2). Last evaluated 2025-03-10.

Conditions:
Hereditary cancer-predisposing syndrome. Also called: Hereditary Cancer Syndrome; Hereditary neoplastic syndrome; Neoplastic Syndromes, Hereditary; Tumor predisposition. Identifiers: Orphanet 140162, MedGen C0027672, MeSH D009386, MONDO:0015356.
Gastrointestinal stromal tumor. Also called: Gastrointestinal stroma tumor; Gastrointestinal stromal tumor, somatic. Identifiers: Orphanet 44890, MedGen C0238198, MeSH D046152, MONDO:0011719, OMIM 606764, HP:0100723.

Submissions (2):

Labcorp Genetics (formerly Invitae), Labcorp
Classification: Uncertain significance for Gastrointestinal stromal tumor. Last evaluated: 2025-03-10. Review status: criteria provided, single submitter. Criteria: Invitae Variant Classification Sherloc (09022015). Collection method: clinical testing. Allele origin: germline.
Comment: This sequence change replaces glycine, which is neutral and non-polar, with valine, which is neutral and non-polar, at codon 79 of the PDGFRA protein (p.Gly79Val). This variant is not present in population databases (gnomAD no frequency). This variant has not been reported in the literature in individuals affected with PDGFRA-related conditions. ClinVar contains an entry for this variant (Variation ID: 2130486). Invitae Evidence Modeling of protein sequence and biophysical properties (such as structural, functional, and spatial information, amino acid conservation, physicochemical variation, residue mobility, and thermodynamic stability) indicates that this missense variant is not expected to disrupt PDGFRA protein function with a negative predictive value of 80%. In summary, the available evidence is currently insufficient to determine the role of this variant in disease. Therefore, it has been classified as a Variant of Uncertain Significance.

Ambry Genetics
Classification: Uncertain significance for Hereditary cancer-predisposing syndrome. Last evaluated: 2024-08-17. Review status: criteria provided, single submitter. Criteria: Ambry Variant Classification Scheme 2023. Collection method: clinical testing. Allele origin: germline.
Comment: The p.G79V variant (also known as c.236G>T), located in coding exon 2 of the PDGFRA gene, results from a G to T substitution at nucleotide position 236. The glycine at codon 79 is replaced by valine, an amino acid with dissimilar properties. This amino acid position is conserved. In addition, the in silico prediction for this alteration is inconclusive. Based on the available evidence, the clinical significance of this variant remains unclear.